The following is an entry in ClinVar:

ClinVar aggregate classification (germline): Uncertain significance. Review status: criteria provided, multiple submitters, no conflicts (2 of 4 stars). 2 submissions from 2 submitters: Uncertain significance (2). Last evaluated 2025-01-15.

Conditions:
Vici syndrome (VICIS). Identifiers: Orphanet 1493, MedGen C1855772, MONDO:0009452, OMIM 242840.
Inborn genetic diseases. Identifiers: MedGen C0950123, MeSH D030342.

gnomAD v4.1: 6 of 1,614,086 alleles (0.00037%); highest among the groups gnomAD compares: Non-Finnish European, 0.00051%; no homozygotes.

Submissions (2):

Ambry Genetics
Classification: Uncertain significance for Inborn genetic diseases. Last evaluated: 2025-01-15. Review status: criteria provided, single submitter. Criteria: Ambry Variant Classification Scheme 2023. Collection method: clinical testing. Allele origin: germline.

Labcorp Genetics (formerly Invitae), Labcorp
Classification: Uncertain significance for Vici syndrome. Last evaluated: 2022-09-07. Review status: criteria provided, single submitter. Criteria: Invitae Variant Classification Sherloc (09022015). Collection method: clinical testing. Allele origin: germline.
Comment: This sequence change replaces alanine, which is neutral and non-polar, with serine, which is neutral and polar, at codon 1598 of the EPG5 protein (p.Ala1598Ser). This variant is not present in population databases (gnomAD no frequency). This variant has not been reported in the literature in individuals affected with EPG5-related conditions. ClinVar contains an entry for this variant (Variation ID: 1396464). Algorithms developed to predict the effect of missense changes on protein structure and function output the following: SIFT: "Tolerated"; PolyPhen-2: "Probably Damaging"; Align-GVGD: "Class C0". The serine amino acid residue is found in multiple mammalian species, which suggests that this missense change does not adversely affect protein function. In summary, the available evidence is currently insufficient to determine the role of this variant in disease. Therefore, it has been classified as a Variant of Uncertain Significance.

NM_020964.3(EPG5):c.4792G>T (p.Ala1598Ser)

Gene: EPG5 (ectopic P-granules 5 autophagy tethering factor; minus strand). Cytogenetic location: 18q12.3.
Variant type: single nucleotide variant.
Coding change: c.4792G>T on transcript NM_020964.3 (MANE Select); coding-DNA position 4792, G replaced by T.
Protein change: p.Ala1598Ser; replaces alanine 1598 with serine.
Molecular consequence: missense variant.
Genome position (GRCh38, 1-based): chr18:45,899,421, C>A on the plus strand (G>T on the coding strand, the complement: EPG5 is on the minus strand). VCF-style: chr18-45899421-C-A. GRCh37 (hg19) VCF-style: chr18-43479386-C-A.
Other names: c.4792G>T (NM_020964.2); short protein forms A1598S.
Identifiers: ClinVar variation 1396464 (VCV001396464.5), dbSNP rs769998231, ClinGen allele CA402336712.
Genomic context (GRCh38, chr18:45,899,421, plus strand): 5'-TCAATTAAAATTCTCTCAGTTCTGAAGAAATTTAAACACTTACCTGAACCGTGACAACTG[C>A]GGCTCCTTGGCATTTCTTACCGCTGCTGCCTCTGCACTCCAAATGTAGTGTGGTCTGTTC-3'
Protein context (NP_066015.2, residues 1588-1608): GSSGKKCQGA[Ala1598Ser]VVTVQFEGMH